The following is an entry in ClinVar:

NM_000059.4(BRCA2):c.10057_10058del (p.Leu3353fs)

Gene: BRCA2 (BRCA2 DNA repair associated; plus strand). Cytogenetic location: 13q13.1.
Variant type: Deletion.
Coding change: c.10057_10058del on transcript NM_000059.4 (MANE Select); coding-DNA positions 10057 to 10058, 2 bases deleted (TT; older notation c.10057_10058delTT).
Protein change: p.Leu3353fs; shifts the reading frame from leucine 3353.
Molecular consequence: frameshift variant. On other transcripts: non-coding transcript variant (1).
Genome position (GRCh38, 1-based): chr13:32,398,570-32,398,571, TT deleted; deleting any 2 consecutive bases within chr13:32,398,568-32,398,571 gives the same sequence; the c. name uses the placement nearest the transcript's 3' end. VCF-style (leftmost placement, unchanged base first): chr13-32398567-CTT-C. GRCh37 (hg19) VCF-style: chr13-32972704-CTT-C.
Other names: c.9961_9962del, p.Leu3321fs (NM_001406719.1); c.10006_10007del, p.Leu3336fs (NM_001406720.1); c.5125_5126del, p.Leu1709fs (NM_001406721.1); c.3640_3641del, p.Leu1214fs (NM_001406722.1); short protein forms L1214fs, L1709fs, L3321fs, L3336fs, L3353fs.
Identifiers: ClinVar variation 3224984 (VCV003224984.1), dbSNP rs1593202229, ClinGen allele CA2825002175.

ClinVar aggregate classification (germline): Uncertain significance (1 of 4 stars; one submission).

Conditions:
Hereditary cancer-predisposing syndrome. Also called: Neoplastic Syndromes, Hereditary; Tumor predisposition; Hereditary neoplastic syndrome; Hereditary Cancer Syndrome. Identifiers: Orphanet 140162, MedGen C0027672, MeSH D009386, MONDO:0015356.

Submission:

Ambry Genetics
Classification: Uncertain significance for Hereditary cancer-predisposing syndrome. Last evaluated: 2023-12-29. Review status: criteria provided, single submitter. Criteria: Ambry Variant Classification Scheme 2023. Collection method: clinical testing. Allele origin: germline.
Comment: The c.10057_10058delTT variant, located in coding exon 26 of the BRCA2 gene, results from a deletion of two nucleotides at nucleotide positions 10057 to 10058, causing a translational frameshift with a predicted alternate stop codon (p.L3353Vfs*14). This alteration occurs at the 3' terminus of the BRCA2 gene, is not expected to trigger nonsense-mediated mRNA decay, and only impacts the last 1.9% of the protein. The exact functional effect of this alteration is unknown. Since supporting evidence is limited at this time, the clinical significance of this alteration remains unclear.